The following is an entry in ClinVar:

ClinVar aggregate classification (germline): Uncertain significance. Review status: criteria provided, multiple submitters, no conflicts (2 of 4 stars). 2 submissions from 2 submitters: Uncertain significance (2). Last evaluated 2025-07-13.

Conditions:
Hypertrophic cardiomyopathy. Also called: HYPERTROPHIC MYOCARDIOPATHY. Identifiers: Orphanet 217569, MedGen C0007194, MeSH D002312, MONDO:0005045, HP:0001639.

Allele frequency attached by ClinVar (database versions not stated): gnomAD exomes 0.00005 and 0.00006; ExAC 0.00007; gnomAD 0.00007 and 0.00008; TOPMed 0.00009; 1000 Genomes Project 30x 0.00016; 1000 Genomes Project 0.00020.
gnomAD v4.1: 89 of 1,608,950 alleles (0.0055%); highest among the groups gnomAD compares: Middle Eastern, 0.033%; no homozygotes.

Submissions (2):

Ambry Genetics
Classification: Uncertain significance. Last evaluated: 2025-07-13. Review status: criteria provided, single submitter. Criteria: Ambry Variant Classification Scheme 2023. Collection method: clinical testing. Allele origin: germline.
Comment: The p.R1349Q variant (also known as c.4046G>A), located in coding exon 27 of the MYOM1 gene, results from a G to A substitution at nucleotide position 4046. The arginine at codon 1349 is replaced by glutamine, an amino acid with highly similar properties. This amino acid position is conserved. In addition, the in silico prediction for this alteration is inconclusive. Since supporting evidence is limited at this time, the clinical significance of this alteration remains unclear.

Labcorp Genetics (formerly Invitae), Labcorp
Classification: Uncertain significance for Hypertrophic cardiomyopathy. Last evaluated: 2025-02-27. Review status: criteria provided, single submitter. Criteria: Invitae Variant Classification Sherloc (09022015). Collection method: clinical testing. Allele origin: germline.
Comment: This sequence change replaces arginine, which is basic and polar, with glutamine, which is neutral and polar, at codon 1349 of the MYOM1 protein (p.Arg1349Gln). This variant is present in population databases (rs112504951, gnomAD 0.03%). This variant has not been reported in the literature in individuals affected with MYOM1-related conditions. ClinVar contains an entry for this variant (Variation ID: 647237). Invitae Evidence Modeling of protein sequence and biophysical properties (such as structural, functional, and spatial information, amino acid conservation, physicochemical variation, residue mobility, and thermodynamic stability) has been performed for this missense variant. However, the output from this modeling did not meet the statistical confidence thresholds required to predict the impact of this variant on MYOM1 protein function. In summary, the available evidence is currently insufficient to determine the role of this variant in disease. Therefore, it has been classified as a Variant of Uncertain Significance.

NM_003803.4(MYOM1):c.4046G>A (p.Arg1349Gln)

Gene: MYOM1 (myomesin 1; minus strand). Cytogenetic location: 18p11.31.
Variant type: single nucleotide variant.
Coding change: c.4046G>A on transcript NM_003803.4 (MANE Select); coding-DNA position 4046, G replaced by A.
Protein change: p.Arg1349Gln; replaces arginine 1349 with glutamine.
Molecular consequence: missense variant.
Genome position (GRCh38, 1-based): chr18:3,089,560, C>T on the plus strand (G>A on the coding strand, the complement: MYOM1 is on the minus strand). VCF-style: chr18-3089560-C-T. GRCh37 (hg19) VCF-style: chr18-3089558-C-T.
Other names: c.3758G>A, p.Arg1253Gln (NM_019856.2); short protein forms R1253Q, R1349Q.
Identifiers: ClinVar variation 647237 (VCV000647237.12), dbSNP rs112504951, ClinGen allele CA8874079.
Genomic context (GRCh38, chr18:3,089,560, plus strand): 5'-ATTAAAAATTTTCTCTTTATCCACGGCCTATTTTTACCTTGTTTCCTGATCCATTCTTGC[C>T]GCTGGAATTCAGCTTCTTTCTGGAGCTTTTTGAAAACTACAAATTGAAAAACAAGGAAGT-3'
Protein context (NP_003794.3, residues 1339-1359): KKLQKEAEFQ[Arg1349Gln]QEWIRKQGPH